The following is an entry in ClinVar:

ClinVar aggregate classification (germline): Uncertain significance. Review status: criteria provided, multiple submitters, no conflicts (2 of 4 stars). 3 submissions from 3 submitters: Uncertain significance (2). 1 of the submissions does not count toward it. Last evaluated 2023-09-25.

Conditions:
Inborn genetic diseases. Identifiers: MedGen C0950123, MeSH D030342.
Refsum disease, classic. Also called: PHYH-Related Refsum Disease; HEREDOPATHIA ATACTICA POLYNEURITIFORMIS; HMSN IV; PHYTANIC ACID OXIDASE DEFICIENCY. Identifiers: Orphanet 773, MedGen C5780941, MONDO:1060256, OMIM 266500. Disease mechanism: loss of function.
Retinal dystrophy. Also called: Inherited retinal dystrophy. Identifiers: Orphanet 71862, MedGen C0854723, MeSH D058499, MONDO:0019118, HP:0000556.

Allele frequency attached by ClinVar (database versions not stated): TOPMed 0.00001; gnomAD 0.00001.
gnomAD v4.1: 7 of 1,613,492 alleles (0.00043%); highest among the groups gnomAD compares: Non-Finnish European, 0.00059%; no homozygotes.

Submissions (3):

Ambry Genetics
Classification: Uncertain significance for Inborn genetic diseases. Last evaluated: 2023-09-25. Review status: criteria provided, single submitter. Criteria: Ambry Variant Classification Scheme 2023. Collection method: clinical testing. Allele origin: germline.

Labcorp Genetics (formerly Invitae), Labcorp
Classification: Uncertain significance. Last evaluated: 2022-04-06. Review status: criteria provided, single submitter. Criteria: Invitae Variant Classification Sherloc (09022015). Collection method: clinical testing. Allele origin: germline.
Comment: This sequence change replaces glycine, which is neutral and non-polar, with alanine, which is neutral and non-polar, at codon 227 of the PHYH protein (p.Gly227Ala). This variant is not present in population databases (gnomAD no frequency). This variant has not been reported in the literature in individuals affected with PHYH-related conditions. Algorithms developed to predict the effect of missense changes on protein structure and function (SIFT, PolyPhen-2, Align-GVGD) all suggest that this variant is likely to be disruptive. In summary, the available evidence is currently insufficient to determine the role of this variant in disease. Therefore, it has been classified as a Variant of Uncertain Significance.

Institute of Human Genetics, Univ. Regensburg, Univ. Regensburg
Classification: Uncertain significance for Retinal dystrophy. Last evaluated: 2022-01-01. Review status: no assertion criteria provided. Criteria: ACMG Guidelines, 2015. Collection method: clinical testing. Allele origin: germline. Affected: yes. Not counted in ClinVar's aggregate classification.

NM_006214.4(PHYH):c.680G>C (p.Gly227Ala)

Gene: PHYH (phytanoyl-CoA 2-hydroxylase; minus strand). Cytogenetic location: 10p13.
Variant type: single nucleotide variant.
Coding change: c.680G>C on transcript NM_006214.4 (MANE Select); coding-DNA position 680, G replaced by C.
Protein change: p.Gly227Ala; replaces glycine 227 with alanine.
Molecular consequence: missense variant.
Genome position (GRCh38, 1-based): chr10:13,283,838, C>G on the plus strand (G>C on the coding strand, the complement: PHYH is on the minus strand). VCF-style: chr10-13283838-C-G. GRCh37 (hg19) VCF-style: chr10-13325838-C-G.
Other names: c.680G>C (NM_006214.3); c.380G>C, p.Gly127Ala (NM_001037537.2, NM_001323080.2); c.686G>C, p.Gly229Ala (NM_001323082.2); c.416G>C, p.Gly139Ala (NM_001323083.2); c.386G>C, p.Gly129Ala (NM_001323084.2); short protein forms G227A, G229A, G129A, G127A, G139A.
Identifiers: ClinVar variation 2140866 (VCV002140866.4), dbSNP rs995220629, ClinGen allele CA203276397.